The following is an entry in ClinVar:

NM_207346.3(TSEN54):c.200C>T (p.Ala67Val)

Gene: TSEN54 (tRNA splicing endonuclease subunit 54; plus strand). Cytogenetic location: 17q25.1.
Variant type: single nucleotide variant.
Coding change: c.200C>T on transcript NM_207346.3 (MANE Select); coding-DNA position 200, C replaced by T.
Protein change: p.Ala67Val; replaces alanine 67 with valine.
Molecular consequence: missense variant.
Genome position (GRCh38, 1-based): chr17:75,516,889, C>T. VCF-style: chr17-75516889-C-T. GRCh37 (hg19) VCF-style: chr17-73512970-C-T.
Other names: short protein forms A67V.
Identifiers: ClinVar variation 1491097 (VCV001491097.5), dbSNP rs1326441166, ClinGen allele CA401027199.

ClinVar aggregate classification (germline): Uncertain significance (1 of 4 stars; one submission).

Allele frequency attached by ClinVar (database versions not stated): gnomAD 0.00001; gnomAD exomes 0.00002.
gnomAD v4.1: 26 of 1,552,574 alleles (0.0017%); highest among the groups gnomAD compares: Non-Finnish European, 0.0023%; no homozygotes.

Submission:

Labcorp Genetics (formerly Invitae), Labcorp
Classification: Uncertain significance. Last evaluated: 2021-08-28. Review status: criteria provided, single submitter. Criteria: Invitae Variant Classification Sherloc (09022015). Collection method: clinical testing. Allele origin: germline.
Comment: This sequence change replaces alanine with valine at codon 67 of the TSEN54 protein (p.Ala67Val). The alanine residue is highly conserved and there is a small physicochemical difference between alanine and valine. The frequency data for this variant in the population databases is considered unreliable, as metrics indicate insufficient coverage at this position in the ExAC database. This variant has not been reported in the literature in individuals affected with TSEN54-related conditions. Algorithms developed to predict the effect of missense changes on protein structure and function are either unavailable or do not agree on the potential impact of this missense change (SIFT: "Deleterious"; PolyPhen-2: "Probably Damaging"; Align-GVGD: "Class C0"). Algorithms developed to predict the effect of sequence changes on RNA splicing suggest that this variant may create or strengthen a splice site. In summary, the available evidence is currently insufficient to determine the role of this variant in disease. Therefore, it has been classified as a Variant of Uncertain Significance.